The following is an entry in ClinVar:

NM_024996.7(GFM1):c.2236A>G (p.Lys746Glu)

Gene: GFM1 (G elongation factor mitochondrial 1; plus strand). Cytogenetic location: 3q25.32.
Variant type: single nucleotide variant.
Coding change: c.2236A>G on transcript NM_024996.7 (MANE Select); coding-DNA position 2236, A replaced by G.
Protein change: p.Lys746Glu; replaces lysine 746 with glutamic acid.
Molecular consequence: missense variant. On other transcripts: non-coding transcript variant (4).
Genome position (GRCh38, 1-based): chr3:158,691,447, A>G. VCF-style: chr3-158691447-A-G. GRCh37 (hg19) VCF-style: chr3-158409236-A-G.
Other names: c.2293A>G, p.Lys765Glu (NM_001308164.2); c.2155A>G, p.Lys719Glu (NM_001374355.1); c.2119A>G, p.Lys707Glu (NM_001374356.1); c.2011A>G, p.Lys671Glu (NM_001374357.1); c.1777A>G, p.Lys593Glu (NM_001374358.1); c.1669A>G, p.Lys557Glu (NM_001374359.1); c.1615A>G, p.Lys539Glu (NM_001374360.1); c.1552A>G, p.Lys518Glu (NM_001374361.1); short protein forms K518E, K539E, K671E, K707E, K765E, K557E, K719E, K746E.
Identifiers: ClinVar variation 1936909 (VCV001936909.5), dbSNP rs2473070136, ClinGen allele CA355183762.

ClinVar aggregate classification (germline): Uncertain significance (1 of 4 stars; one submission).

Allele frequency attached by ClinVar (database versions not stated): gnomAD exomes below 0.00001.

Submission:

Labcorp Genetics (formerly Invitae), Labcorp
Classification: Uncertain significance. Last evaluated: 2024-04-18. Review status: criteria provided, single submitter. Criteria: Invitae Variant Classification Sherloc (09022015). Collection method: clinical testing. Allele origin: germline.
Comment: This sequence change replaces lysine, which is basic and polar, with glutamic acid, which is acidic and polar, at codon 746 of the GFM1 protein (p.Lys746Glu). This variant is not present in population databases (gnomAD no frequency). This variant has not been reported in the literature in individuals affected with GFM1-related conditions. ClinVar contains an entry for this variant (Variation ID: 1936909). Advanced modeling of protein sequence and biophysical properties (such as structural, functional, and spatial information, amino acid conservation, physicochemical variation, residue mobility, and thermodynamic stability) has been performed at Invitae for this missense variant, however the output from this modeling did not meet the statistical confidence thresholds required to predict the impact of this variant on GFM1 protein function. In summary, the available evidence is currently insufficient to determine the role of this variant in disease. Therefore, it has been classified as a Variant of Uncertain Significance.